The following is an entry in ClinVar:

ClinVar aggregate classification (germline): Conflicting classifications of pathogenicity. Review status: criteria provided, conflicting classifications (1 of 4 stars). 7 submissions from 6 submitters: Likely pathogenic (1); Uncertain significance (6). Last evaluated 2026-02-24.

Conditions:
Inborn genetic diseases. Identifiers: MedGen C0950123, MeSH D030342.
Retinitis pigmentosa 39 (RP39). Identifiers: Orphanet 791, MedGen C3151138, MONDO:0013436, OMIM 613809.
Usher syndrome type 2A. Also called: RETINAL DISEASE IN USHER SYNDROME TYPE IIA, MODIFIER OF; USHER SYNDROME, TYPE IIA. Identifiers: Orphanet 231178, Orphanet 886, MedGen C1848634, MONDO:0010169, OMIM 276901.

Allele frequency attached by ClinVar (database versions not stated): gnomAD exomes below 0.00001; TOPMed below 0.00001; ExAC 0.00001; 1000 Genomes Project 30x 0.00016; 1000 Genomes Project 0.00020.

Submissions (7):

GeneDx
Classification: Uncertain significance. Last evaluated: 2026-02-24. Review status: criteria provided, single submitter. Criteria: GeneDx Variant Classification Process June 2021. Collection method: clinical testing. Allele origin: germline.
Comment: Not observed at significant frequency in large population cohorts (gnomAD); In silico analysis supports that this missense variant has a deleterious effect on protein structure/function; Has not been previously published as pathogenic or benign to our knowledge

Ambry Genetics
Classification: Uncertain significance for Inborn genetic diseases. Last evaluated: 2025-10-22. Review status: criteria provided, single submitter. Criteria: Ambry Variant Classification Scheme 2023. Collection method: clinical testing. Allele origin: germline.

Labcorp Genetics (formerly Invitae), Labcorp
Classification: Likely pathogenic. Last evaluated: 2024-03-20. Review status: criteria provided, single submitter. Criteria: Invitae Variant Classification Sherloc (09022015). Collection method: clinical testing. Allele origin: germline.
Comment: This sequence change replaces serine, which is neutral and polar, with leucine, which is neutral and non-polar, at codon 1835 of the USH2A protein (p.Ser1835Leu). This variant is not present in population databases (gnomAD no frequency). This missense change has been observed in individual(s) with clinical features of Usher syndrome (Invitae). ClinVar contains an entry for this variant (Variation ID: 667359). Advanced modeling of protein sequence and biophysical properties (such as structural, functional, and spatial information, amino acid conservation, physicochemical variation, residue mobility, and thermodynamic stability) performed at Invitae indicates that this missense variant is expected to disrupt USH2A protein function with a positive predictive value of 95%. In summary, the currently available evidence indicates that the variant is pathogenic, but additional data are needed to prove that conclusively. Therefore, this variant has been classified as Likely Pathogenic.

Genome-Nilou Lab
Classification: Uncertain significance for Retinitis pigmentosa 39. Last evaluated: 2023-11-04. Review status: criteria provided, single submitter. Criteria: ACMG Guidelines, 2015. Collection method: clinical testing. Allele origin: germline. Affected: no.

Genome-Nilou Lab
Classification: Uncertain significance for Usher syndrome type 2A. Last evaluated: 2023-11-04. Review status: criteria provided, single submitter. Criteria: ACMG Guidelines, 2015. Collection method: clinical testing. Allele origin: germline. Affected: no.

Blueprint Genetics
Classification: Uncertain significance. Last evaluated: 2019-08-26. Review status: criteria provided, single submitter. Criteria: ACMG Guidelines, 2015. Collection method: clinical testing. Allele origin: germline.

Laboratory for Molecular Medicine, Mass General Brigham Personalized Medicine
Classification: Uncertain significance. Last evaluated: 2019-02-27. Review status: criteria provided, single submitter. Criteria: LMM Criteria. Collection method: clinical testing. Allele origin: germline. Observed: 1 variant allele.
Comment: The p.Ser1835Leu variant in USH2A has not been previously reported in individuals with hearing loss or Usher syndrome and was absent from large population studies. Computational prediction tools and conservation analysis suggest that this variant may impact the protein, though this information is not predictive enough to determine pathogenicity. In summary, the clinical significance of this variant is uncertain. ACMG/AMP Criteria applied: PM2, PP3.

NM_206933.4(USH2A):c.5504C>T (p.Ser1835Leu)

Genes: USH2A (usherin; minus strand), USH2A-AS2 (USH2A antisense RNA 2; plus strand). Cytogenetic location: 1q41.
Variant type: single nucleotide variant.
Coding change: c.5504C>T on transcript NM_206933.4 (MANE Select); coding-DNA position 5504, C replaced by T.
Protein change: p.Ser1835Leu; replaces serine 1835 with leucine.
Molecular consequence: missense variant.
Genome position (GRCh38, 1-based): chr1:216,078,157, G>A on the plus strand (C>T on the coding strand, the complement: USH2A is on the minus strand). VCF-style: chr1-216078157-G-A. GRCh37 (hg19) VCF-style: chr1-216251499-G-A.
Other names: short protein forms S1835L.
Identifiers: ClinVar variation 667359 (VCV000667359.16), dbSNP rs199645514, ClinGen allele CA1395435.